The following is an entry in ClinVar:

NM_001366006.2(ADGRL2):c.4107T>C (p.Ala1369=)

Gene: ADGRL2 (adhesion G protein-coupled receptor L2; plus strand). Cytogenetic location: 1p31.1.
Variant type: single nucleotide variant.
Coding change: c.4107T>C on transcript NM_001366006.2 (MANE Select); coding-DNA position 4107, T replaced by C.
Protein change: p.Ala1369=; no amino-acid change (alanine 1369 retained).
Molecular consequence: synonymous variant. On other transcripts: 3 prime UTR variant (8), non-coding transcript variant (1).
Genome position (GRCh38, 1-based): chr1:81,990,842, T>C. VCF-style: chr1-81990842-T-C. GRCh37 (hg19) VCF-style: chr1-82456526-T-C.
Other names: c.3909T>C, p.Ala1303= (NM_001297704.3, NM_001366002.2, NM_001393351.1 and 2 more transcripts); c.*481T>C (NM_001297705.3); c.*440T>C (NM_001297706.3, NM_001366009.2, NM_001393353.1); c.3948T>C, p.Ala1316= (NM_001330645.3, NM_001393350.1); c.4089T>C, p.Ala1363= (NM_001350698.2, NM_001366003.2, NM_001366004.2 and 1 more transcripts); c.*499T>C (NM_001350699.2, NM_001393354.1); c.4107T>C, p.Ala1369= (NM_001366005.2); c.*467T>C (NM_001366007.2, NM_001366008.2).
Identifiers: ClinVar variation 3049584 (VCV003049584.2), dbSNP rs764749995, ClinGen allele CA923250.

ClinVar aggregate classification (germline): Likely benign (0 of 4 stars; one submission).

Conditions:
ADGRL2-related disorder. Also called: ADGRL2-related condition.

Allele frequency attached by ClinVar (database versions not stated): gnomAD exomes below 0.00001; TOPMed 0.00001; ExAC 0.00002; gnomAD 0.00003.
gnomAD v4.1: 11 of 1,613,966 alleles (0.00068%); highest among the groups gnomAD compares: Admixed American, 0.0067%; no homozygotes.

Submission:

PreventionGenetics, part of Exact Sciences
Classification: Likely benign for ADGRL2-related condition. Last evaluated: 2019-07-12. Review status: no assertion criteria provided. Collection method: clinical testing. Allele origin: germline.
Comment: This variant is classified as likely benign based on ACMG/AMP sequence variant interpretation guidelines (Richards et al. 2015 PMID: 25741868, with internal and published modifications).